The following is an entry in ClinVar:

NM_000051.4(ATM):c.2941CGT[1] (p.Arg982del)

Gene: ATM (ATM serine/threonine kinase; plus strand). Cytogenetic location: 11q22.3.
Variant type: Microsatellite.
Coding change: c.2941CGT[1] on transcript NM_000051.4 (MANE Select); one copy of the 3-base unit CGT starting at c.2941; the reference has two copies in a row; one copy, 3 bases deleted.
Protein change: p.Arg982del; deletes arginine 982.
Molecular consequence: inframe deletion. On other transcripts: inframe indel (2).
Genome position (GRCh38, 1-based): chr11:108,271,273-108,271,275, CGT deleted; deleting any 3 consecutive bases within chr11:108,271,269-108,271,275 gives the same sequence; the position shown is the placement nearest the transcript's 3' end. VCF-style (leftmost placement, unchanged base first): chr11-108271268-ATCG-A. GRCh37 (hg19) VCF-style: chr11-108141995-ATCG-A.
Other names: c.2941_2943CGT[1], p.Arg982del (NM_000051.3); c.2941CGT[1], p.Arg982del (NM_001351834.2); c.2944_2946delCGT (NM_000051.3); short protein forms R982del.
Identifiers: ClinVar variation 4618098 (VCV004618098.1).

ClinVar aggregate classification (germline): Uncertain significance (1 of 4 stars; one submission).

Conditions:
Hereditary cancer-predisposing syndrome. Also called: Neoplastic Syndromes, Hereditary; Tumor predisposition; Hereditary Cancer Syndrome; Hereditary neoplastic syndrome. Identifiers: Orphanet 140162, MedGen C0027672, MeSH D009386, MONDO:0015356.

Submission:

Ambry Genetics
Classification: Uncertain significance for Hereditary cancer-predisposing syndrome. Last evaluated: 2025-11-12. Review status: criteria provided, single submitter. Criteria: Ambry Variant Classification Scheme 2023. Collection method: clinical testing. Allele origin: germline.
Comment: The c.2944_2946delCGT variant (also known as p.R982del) is located in coding exon 19 of the ATM gene. This variant results from an in-frame CGT deletion at nucleotide positions 2944 to 2946. This results in the in-frame deletion of an arginine at codon 982. This amino acid position is well conserved in available vertebrate species. In addition, this variant is predicted to be deleterious by in silico analysis (Choi Y et al. PLoS ONE. 2012; 7(10):e46688). Based on the available evidence, the clinical significance of this variant remains unclear.